The following is an entry in ClinVar:

NM_006073.4(TRDN):c.707A>C (p.Lys236Thr)

Gene: TRDN (triadin; minus strand). Cytogenetic location: 6q22.31.
Variant type: single nucleotide variant.
Coding change: c.707A>C on transcript NM_006073.4 (MANE Select); coding-DNA position 707, A replaced by C.
Protein change: p.Lys236Thr; replaces lysine 236 with threonine.
Molecular consequence: missense variant.
Genome position (GRCh38, 1-based): chr6:123,503,805, T>G on the plus strand (A>C on the coding strand, the complement: TRDN is on the minus strand). VCF-style: chr6-123503805-T-G. GRCh37 (hg19) VCF-style: chr6-123824950-T-G.
Other names: c.707A>C, p.Lys236Thr (NM_001251987.2, NM_001256020.2, NM_001256021.2 and 1 more transcripts); short protein forms K236T.
Identifiers: ClinVar variation 4190185 (VCV004190185.1).
Genomic context (GRCh38, chr6:123,503,805, plus strand): 5'-GCTTTCTCTTTGTCCTCCTTTTCTTTGGGTTTTGATGGTGTTTTCTGTACTTCTTTTACT[T>G]TTGCAGCTGTTTGCTTCACTTTCTCCTGTTTTCCACCTTTCACTTCCTTTTTAGTCTTTT-3'
Protein context (NP_006064.2, residues 226-246): KQEKVKQTAA[Lys236Thr]VKEVQKTPSK

ClinVar aggregate classification (germline): Uncertain significance (1 of 4 stars; one submission).

Conditions:
Cardiovascular phenotype. Identifiers: MedGen CN230736.

gnomAD v4.1: 2 of 1,611,724 alleles (0.00012%); highest among the groups gnomAD compares: Non-Finnish European, 0.00017%; no homozygotes.

Submission:

Ambry Genetics
Classification: Uncertain significance for Cardiovascular phenotype. Last evaluated: 2025-06-22. Review status: criteria provided, single submitter. Criteria: Ambry Variant Classification Scheme 2023. Collection method: clinical testing. Allele origin: germline.
Comment: The p.K236T variant (also known as c.707A>C), located in coding exon 8 of the TRDN gene, results from an A to C substitution at nucleotide position 707. The lysine at codon 236 is replaced by threonine, an amino acid with similar properties. This amino acid position is conserved. In addition, the in silico prediction for this alteration is inconclusive. Based on the available evidence, the clinical significance of this variant remains unclear.